The following is an entry in ClinVar:

ClinVar aggregate classification (germline): Uncertain significance (1 of 4 stars; one submission).

Conditions:
Hereditary spastic paraplegia 28. Also called: Spastic paraplegia 28, autosomal recessive. Identifiers: Orphanet 101008, MedGen C1836295, MONDO:0012256, OMIM 609340.

gnomAD v4.1: 20 of 1,609,282 alleles (0.0012%); highest among the groups gnomAD compares: African/African-American, 0.024%; no homozygotes.

Submission:

Labcorp Genetics (formerly Invitae), Labcorp
Classification: Uncertain significance for Hereditary spastic paraplegia 28. Last evaluated: 2020-09-01. Review status: criteria provided, single submitter. Criteria: Invitae Variant Classification Sherloc (09022015). Collection method: clinical testing. Allele origin: germline.
Comment: In summary, the available evidence is currently insufficient to determine the role of this variant in disease. Therefore, it has been classified as a Variant of Uncertain Significance. Algorithms developed to predict the effect of missense changes on protein structure and function are either unavailable or do not agree on the potential impact of this missense change (SIFT: "Deleterious"; PolyPhen-2: "Possibly Damaging"; Align-GVGD: "Class C0"). This variant has not been reported in the literature in individuals with DDHD1-related conditions. This variant is present in population databases (rs202164262, ExAC 0.02%). This sequence change replaces aspartic acid with histidine at codon 869 of the DDHD1 protein (p.Asp869His). The aspartic acid residue is moderately conserved and there is a moderate physicochemical difference between aspartic acid and histidine.

NM_001160148.2(DDHD1):c.2668G>C (p.Asp890His)

Gene: DDHD1 (DDHD domain containing 1; minus strand). Cytogenetic location: 14q22.1.
Variant type: single nucleotide variant.
Coding change: c.2668G>C on transcript NM_001160148.2 (MANE Select); coding-DNA position 2668, G replaced by C.
Protein change: p.Asp890His; replaces aspartic acid 890 with histidine.
Molecular consequence: missense variant.
Genome position (GRCh38, 1-based): chr14:53,046,803, C>G on the plus strand (G>C on the coding strand, the complement: DDHD1 is on the minus strand). VCF-style: chr14-53046803-C-G. GRCh37 (hg19) VCF-style: chr14-53513521-C-G.
Other names: c.2605G>C, p.Asp869His (NM_001160147.2); c.2584G>C, p.Asp862His (NM_030637.3); short protein forms D862H, D869H, D890H.
Identifiers: ClinVar variation 1062058 (VCV001062058.9), dbSNP rs202164262, ClinGen allele CA7190918.